The following is an entry in ClinVar:

ClinVar aggregate classification (germline): Uncertain significance. Review status: criteria provided, multiple submitters, no conflicts (2 of 4 stars). 2 submissions from 2 submitters: Uncertain significance (2). Last evaluated 2024-10-22.

Submissions (2):

Labcorp Genetics (formerly Invitae), Labcorp
Classification: Uncertain significance. Last evaluated: 2024-10-22. Review status: criteria provided, single submitter. Criteria: Invitae Variant Classification Sherloc (09022015). Collection method: clinical testing. Allele origin: germline.
Comment: This sequence change replaces glutamic acid, which is acidic and polar, with aspartic acid, which is acidic and polar, at codon 429 of the PROM1 protein (p.Glu429Asp). This variant is not present in population databases (gnomAD no frequency). This variant has not been reported in the literature in individuals affected with PROM1-related conditions. ClinVar contains an entry for this variant (Variation ID: 1377297). Invitae Evidence Modeling of protein sequence and biophysical properties (such as structural, functional, and spatial information, amino acid conservation, physicochemical variation, residue mobility, and thermodynamic stability) indicates that this missense variant is not expected to disrupt PROM1 protein function with a negative predictive value of 80%. In summary, the available evidence is currently insufficient to determine the role of this variant in disease. Therefore, it has been classified as a Variant of Uncertain Significance.

Blueprint Genetics
Classification: Uncertain significance. Last evaluated: 2019-09-23. Review status: criteria provided, single submitter. Criteria: ACMG Guidelines, 2015. Collection method: clinical testing. Allele origin: germline.

NM_006017.3(PROM1):c.1287G>C (p.Glu429Asp)

Gene: PROM1 (prominin 1; minus strand). Cytogenetic location: 4p15.32.
Variant type: single nucleotide variant.
Coding change: c.1287G>C on transcript NM_006017.3 (MANE Select); coding-DNA position 1287, G replaced by C.
Protein change: p.Glu429Asp; replaces glutamic acid 429 with aspartic acid.
Molecular consequence: missense variant.
Genome position (GRCh38, 1-based): chr4:16,008,963, C>G on the plus strand (G>C on the coding strand, the complement: PROM1 is on the minus strand). VCF-style: chr4-16008963-C-G. GRCh37 (hg19) VCF-style: chr4-16010586-C-G.
Other names: c.1260G>C, p.Glu420Asp (NM_001145847.2, NM_001145848.2, NM_001145851.2 and 4 more transcripts); c.1287G>C, p.Glu429Asp (NM_001145849.2, NM_001145850.2); short protein forms E429D, E420D.
Identifiers: ClinVar variation 1377297 (VCV001377297.7), dbSNP rs2149249086, ClinGen allele CA356436495.